The following is an entry in ClinVar:

NM_005159.5(ACTC1):c.1053G>C (p.Leu351=)

Genes: ACTC1 (actin alpha cardiac muscle 1; minus strand), GJD2-DT (GJD2 divergent transcript; plus strand). Cytogenetic location: 15q14.
Variant type: single nucleotide variant.
Coding change: c.1053G>C on transcript NM_005159.5 (MANE Select); coding-DNA position 1053, G replaced by C.
Protein change: p.Leu351=; no amino-acid change (leucine 351 retained).
Molecular consequence: synonymous variant.
Genome position (GRCh38, 1-based): chr15:34,790,493, C>G on the plus strand (G>C on the coding strand, the complement: ACTC1 is on the minus strand). VCF-style: chr15-34790493-C-G. GRCh37 (hg19) VCF-style: chr15-35082694-C-G.
Other names: c.1053G>C (LRG_388t1).
Identifiers: ClinVar variation 315702 (VCV000315702.22), dbSNP rs151321743, ClinGen allele CA040642.

ClinVar aggregate classification (germline): Benign/Likely benign. Review status: criteria provided, multiple submitters, no conflicts (2 of 4 stars). 6 submissions from 6 submitters: Benign (1); Likely benign (5). Last evaluated 2026-01-10.

Conditions:
Cardiovascular phenotype. Identifiers: MedGen CN230736.
Atrial septal defect 5 (ASD5). Identifiers: Orphanet 1478, MedGen C2748552, MONDO:0013011, OMIM 612794.
Hypertrophic cardiomyopathy 11. Also called: ACTC1-Related Familial Hypertrophic Cardiomyopathy. Identifiers: MedGen C2677506, MONDO:0012799, OMIM 612098.
Dilated cardiomyopathy 1R (CMD1R). Identifiers: Orphanet 154, Orphanet 54260, MedGen C3150681, MONDO:0013261, OMIM 613424.
Cardiomyopathy (CMYO). Also called: Cardiomyopathies. Identifiers: Orphanet 167848, MedGen C0878544, MONDO:0004994, HP:0001638. Inheritance: Various modes of inheritance.
Hypertrophic cardiomyopathy. Also called: HYPERTROPHIC MYOCARDIOPATHY. Identifiers: Orphanet 217569, MedGen C0007194, MeSH D002312, MONDO:0005045, HP:0001639.

Allele frequency attached by ClinVar (database versions not stated): ExAC 0.00004; gnomAD exomes 0.00004; TOPMed 0.00006; 1000 Genomes Project 30x 0.00016; 1000 Genomes Project 0.00020.
gnomAD v4.1: 201 of 1,614,130 alleles (0.012%); highest among the groups gnomAD compares: East Asian, 0.44%; 5 homozygotes.

Submissions (6):

Labcorp Genetics (formerly Invitae), Labcorp
Classification: Likely benign for Dilated cardiomyopathy 1R; Hypertrophic cardiomyopathy 11; Atrial septal defect 5. Last evaluated: 2026-01-10. Review status: criteria provided, single submitter. Criteria: Invitae Variant Classification Sherloc (09022015). Collection method: clinical testing. Allele origin: germline.

Women's Health and Genetics/Laboratory Corporation of America, LabCorp
Classification: Benign. Last evaluated: 2025-02-13. Review status: criteria provided, single submitter. Criteria: LabCorp Variant Classification Summary - May 2015. Collection method: clinical testing. Allele origin: germline.

All of Us Research Program, National Institutes of Health
Classification: Likely benign for Hypertrophic cardiomyopathy. Last evaluated: 2024-02-05. Review status: criteria provided, single submitter. Criteria: ACMG Guidelines, 2015. Collection method: clinical testing. Allele origin: germline. Inheritance: Autosomal dominant inheritance. Observed: 8 variant alleles, 8 heterozygotes.
Comment: This study involves interpretation of variants in research participants for the purpose of population health screening. Participant phenotype was not available at the time of variant classification. Additional details can be found in publication PMID: 35346344, PMCID: PMC8962531

Ambry Genetics
Classification: Likely benign for Cardiovascular phenotype. Last evaluated: 2019-06-20. Review status: criteria provided, single submitter. Criteria: Ambry Variant Classification Scheme 2023. Collection method: clinical testing. Allele origin: germline.

Color Diagnostics, LLC DBA Color Health
Classification: Likely benign for Cardiomyopathy. Last evaluated: 2018-10-18. Review status: criteria provided, single submitter. Criteria: ACMG Guidelines, 2015. Collection method: clinical testing. Allele origin: germline.

GeneDx
Classification: Likely benign. Last evaluated: 2018-03-16. Review status: criteria provided, single submitter. Criteria: GeneDx Variant Classification (06012015). Collection method: clinical testing. Allele origin: germline. Affected: yes.
Comment: This variant is considered likely benign or benign based on one or more of the following criteria: it is a conservative change, it occurs at a poorly conserved position in the protein, it is predicted to be benign by multiple in silico algorithms, and/or has population frequency not consistent with disease.